The following is an entry in ClinVar:

NM_139318.5(KCNH5):c.1700A>C (p.Gln567Pro)

Gene: KCNH5 (potassium voltage-gated channel subfamily H member 5; minus strand). Cytogenetic location: 14q23.2.
Variant type: single nucleotide variant.
Coding change: c.1700A>C on transcript NM_139318.5 (MANE Select); coding-DNA position 1700, A replaced by C.
Protein change: p.Gln567Pro; replaces glutamine 567 with proline.
Molecular consequence: missense variant.
Genome position (GRCh38, 1-based): chr14:62,802,451, T>G on the plus strand (A>C on the coding strand, the complement: KCNH5 is on the minus strand). VCF-style: chr14-62802451-T-G. GRCh37 (hg19) VCF-style: chr14-63269169-T-G.
Other names: c.1700A>C, p.Gln567Pro (NM_172375.3); short protein forms Q567P.
Identifiers: ClinVar variation 1723725 (VCV001723725.2), dbSNP rs2502790394, ClinGen allele CA390101821.

ClinVar aggregate classification (germline): Uncertain significance (1 of 4 stars; one submission).

Submission:

GeneDx
Classification: Uncertain significance. Last evaluated: 2022-05-09. Review status: criteria provided, single submitter. Criteria: GeneDx Variant Classification Process June 2021. Collection method: clinical testing. Allele origin: germline. Affected: yes.
Comment: Not observed at significant frequency in large population cohorts (gnomAD); In silico analysis supports that this missense variant has a deleterious effect on protein structure/function; Has not been previously published as pathogenic or benign to our knowledge; Variants in candidate genes are classified as variants of uncertain significance in accordance with ACMG guidelines (Richards et al., 2015)